The following is an entry in ClinVar:

ClinVar aggregate classification (germline): Uncertain significance (1 of 4 stars; one submission).

Submission:

GeneDx
Classification: Uncertain significance. Last evaluated: 2024-09-17. Review status: criteria provided, single submitter. Criteria: GeneDx Variant Classification Process June 2021. Collection method: clinical testing. Allele origin: germline. Affected: yes.
Comment: Not observed at significant frequency in large population cohorts (gnomAD); Missense variants in this gene are a common cause of disease and they are underrepresented in the general population; In silico analysis supports that this missense variant has a deleterious effect on protein structure/function; Has not been previously published as pathogenic or benign to our knowledge; This variant is associated with the following publications: (PMID: 29493581)

NM_005633.4(SOS1):c.269C>G (p.Ala90Gly)

Gene: SOS1 (SOS Ras/Rac guanine nucleotide exchange factor 1; minus strand). Cytogenetic location: 2p22.1.
Variant type: single nucleotide variant.
Coding change: c.269C>G on transcript NM_005633.4 (MANE Select); coding-DNA position 269, C replaced by G.
Protein change: p.Ala90Gly; replaces alanine 90 with glycine.
Molecular consequence: missense variant.
Genome position (GRCh38, 1-based): chr2:39,058,749, G>C on the plus strand (C>G on the coding strand, the complement: SOS1 is on the minus strand). VCF-style: chr2-39058749-G-C. GRCh37 (hg19) VCF-style: chr2-39285890-G-C.
Other names: c.248C>G, p.Ala83Gly (NM_001382394.1); c.269C>G, p.Ala90Gly (NM_001382395.1); short protein forms A83G, A90G.
Identifiers: ClinVar variation 3769863 (VCV003769863.1).